The following is an entry in ClinVar:

ClinVar aggregate classification (germline): Pathogenic/Likely pathogenic. Review status: criteria provided, multiple submitters, no conflicts (2 of 4 stars). 6 submissions from 6 submitters: Pathogenic (3); Likely pathogenic (3). Last evaluated 2024-09-05.

Conditions:
Mitchell syndrome. Identifiers: Orphanet 631248, MedGen C5394554, MONDO:0030073, OMIM 618960.
Acyl-CoA oxidase deficiency. Also called: Peroxisomal acyl-CoA oxidase deficiency; STRAIGHT-CHAIN ACYL-CoA OXIDASE DEFICIENCY; Pseudoneonatal adrenoleukodystrophy. Identifiers: Orphanet 2971, MedGen C1849678, MONDO:0009919, OMIM 264470. Disease mechanism: loss of function.

Allele frequency attached by ClinVar (database versions not stated): gnomAD exomes below 0.00001; gnomAD 0.00001; TOPMed 0.00001.
gnomAD v4.1: 7 of 1,611,450 alleles (0.00043%); highest among the groups gnomAD compares: East Asian, 0.0022%; no homozygotes.

Submissions (6):

Revvity Omics, Revvity
Classification: Pathogenic. Last evaluated: 2024-09-05. Review status: criteria provided, single submitter. Criteria: ACMG Guidelines, 2015. Collection method: clinical testing. Allele origin: germline.

Natera, Inc.
Classification: Likely pathogenic for Peroxisomal acyl-CoA oxidase deficiency. Last evaluated: 2024-08-14. Review status: criteria provided, single submitter. Criteria: Natera Variant Classification Schema (03/2026). Collection method: clinical testing. Allele origin: germline.
Comment: The c.538+1G>A variant in ACOX1 is a canonical splice donor site variant predicted to affect pre-mRNA splicing, which may result in an abnormal transcript and altered protein product. This variant may result in a truncated or dysfunctional protein product. This variant is rare in the general population with a frequency below the threshold expected for the associated phenotype(s). Functional studies show that this variant may disrupt protein function (PMID: 17458872). Given the available evidence, this variant is classified as Likely Pathogenic.

Baylor Genetics
Classification: Pathogenic for Mitchell syndrome. Last evaluated: 2024-03-07. Review status: criteria provided, single submitter. Criteria: ACMG Guidelines, 2015. Collection method: clinical testing. Allele origin: unknown.

Fulgent Genetics
Classification: Likely pathogenic for Acyl-CoA oxidase deficiency; Mitchell syndrome. Last evaluated: 2024-03-01. Review status: criteria provided, single submitter. Criteria: ACMG Guidelines, 2015. Collection method: clinical testing. Allele origin: germline.

Labcorp Genetics (formerly Invitae), Labcorp
Classification: Pathogenic for Acyl-CoA oxidase deficiency. Last evaluated: 2023-07-05. Review status: criteria provided, single submitter. Criteria: Invitae Variant Classification Sherloc (09022015). Collection method: clinical testing. Allele origin: germline.
Comment: This sequence change affects a donor splice site in intron 4 of the ACOX1 gene. It is expected to disrupt RNA splicing. Variants that disrupt the donor or acceptor splice site typically lead to a loss of protein function (PMID: 16199547), and loss-of-function variants in ACOX1 are known to be pathogenic (PMID: 8040306, 17458872). This variant is present in population databases (no rsID available, gnomAD 0.004%). Disruption of this splice site has been observed in individual(s) with autosomal recessive peroxisomal acyl-CoA oxidase deficiency (PMID: 17458872). ClinVar contains an entry for this variant (Variation ID: 852761). Studies have shown that disruption of this splice site is associated with altered splicing resulting in unknown protein product impact (PMID: 17458872). For these reasons, this variant has been classified as Pathogenic.

New York Genome Center
Classification: Likely pathogenic for Acyl-CoA oxidase deficiency. Last evaluated: 2023-06-16. Review status: criteria provided, single submitter. Criteria: NYGC Assertion Criteria 2020. Collection method: clinical testing. Allele origin: germline. Observed: 1 heterozygote.

Literature cited by the submitters: PubMed 17458872 (cited by Natera, Inc. and Labcorp Genetics (formerly Invitae), Labcorp); PubMed 16199547 (cited by Labcorp Genetics (formerly Invitae), Labcorp); PubMed 8040306 (cited by Labcorp Genetics (formerly Invitae), Labcorp).

NM_004035.7(ACOX1):c.538+1G>A

Gene: ACOX1 (acyl-CoA oxidase 1; minus strand). Cytogenetic location: 17q25.1.
Variant type: single nucleotide variant.
Coding change: c.538+1G>A on transcript NM_004035.7 (MANE Select); the canonical splice donor site of the intron after coding-DNA position 538, G replaced by A.
Molecular consequence: splice donor variant.
Genome position (GRCh38, 1-based): chr17:75,957,458, C>T on the plus strand (G>A on the coding strand, the complement: ACOX1 is on the minus strand). VCF-style: chr17-75957458-C-T. GRCh37 (hg19) VCF-style: chr17-73953539-C-T.
Other names: c.538+1G>A (NM_007292.6); c.424+1G>A (NM_001185039.2).
Identifiers: ClinVar variation 852761 (VCV000852761.14), dbSNP rs1466419887, ClinGen allele CA401068762.